The following is an entry in ClinVar:

ClinVar aggregate classification (germline): Likely pathogenic (1 of 4 stars; one submission).

Conditions:
Niemann-Pick disease, type C2 (NPC2). Identifiers: Orphanet 646, MedGen C1843366, MONDO:0011873, OMIM 607625.

Submission:

Myriad Genetics, Inc.
Classification: Likely pathogenic for Niemann-Pick disease, type C2. Last evaluated: 2022-02-12. Review status: criteria provided, single submitter. Criteria: Myriad Women's Health Autosomal Recessive and X-Linked Classification Criteria (2021). Collection method: clinical testing. Allele origin: unknown.
Comment: NM_006432.3(NPC2):c.249_250ins7(P84Nfs*8) is expected to be pathogenic in the context of Niemann-Pick disease type C2. This variant is predicted to lead to an abnormal or absent protein product due to the creation of a premature termination codon in NPC2, a gene where loss-of-function variants are known to be pathogenic. Please note: this variant was assessed in the context of healthy population screening.

NM_006432.5(NPC2):c.249_250insAATTCCA (p.Pro84fs)

Gene: NPC2 (NPC intracellular cholesterol transporter 2; minus strand). Cytogenetic location: 14q24.3.
Variant type: Insertion.
Coding change: c.249_250insAATTCCA on transcript NM_006432.5 (MANE Select); coding-DNA positions 249 to 250, AATTCCA inserted.
Protein change: p.Pro84fs; shifts the reading frame from proline 84.
Molecular consequence: frameshift variant.
Genome position: GRCh38 VCF-style: chr14-74484528-G-GTGGAATT. GRCh37 (hg19) VCF-style: chr14-74951231-G-GTGGAATT.
Other names: c.249_250insAATTCCA, p.Pro84fs (NM_001363688.1, NM_001375440.1); short protein forms P84fs.
Identifiers: ClinVar variation 1724387 (VCV001724387.2), dbSNP rs2506104570, ClinGen allele CA2580088718.